The following is an entry in ClinVar:

ClinVar aggregate classification (germline): Uncertain significance (0 of 4 stars; one submission).

Conditions:
MAGEL2-related disorder. Also called: MAGEL2-related condition.

gnomAD v4.1: 1 of 1,614,006 alleles (0.000062%); highest among the groups gnomAD compares: Non-Finnish European, 0.000085%; no homozygotes.

Submission:

PreventionGenetics, part of Exact Sciences
Classification: Uncertain significance for MAGEL2-related condition. Last evaluated: 2024-05-29. Review status: no assertion criteria provided. Collection method: clinical testing. Allele origin: germline.
Comment: The MAGEL2 c.2250G>A variant is predicted to result in the amino acid substitution p.Met750Ile. To our knowledge, this variant has not been reported in the literature or in a large population database, indicating this variant is rare. At this time, the clinical significance of this variant is uncertain due to the absence of conclusive functional and genetic evidence.

NM_019066.5(MAGEL2):c.2250G>A (p.Met750Ile)

Gene: MAGEL2 (MAGE family member L2; minus strand). Cytogenetic location: 15q11.2.
Variant type: single nucleotide variant.
Coding change: c.2250G>A on transcript NM_019066.5 (MANE Select); coding-DNA position 2250, G replaced by A.
Protein change: p.Met750Ile; replaces methionine 750 with isoleucine.
Molecular consequence: missense variant.
Genome position (GRCh38, 1-based): chr15:23,645,493, C>T on the plus strand (G>A on the coding strand, the complement: MAGEL2 is on the minus strand). VCF-style: chr15-23645493-C-T. GRCh37 (hg19) VCF-style: chr15-23890640-C-T.
Other names: short protein forms M750I.
Identifiers: ClinVar variation 3350371 (VCV003350371.1).
Genomic context (GRCh38, chr15:23,645,493, plus strand): 5'-TGGCAGGTGTGCTCGCGCAGCTGACACTGCCTTGGGAGCACAGAAGGTGGCAGCAAAGAT[C>T]ATGCGGTCTTTTGAAGGGGCCCTGCGCTCCTTCGAGGAGGTCCTGCGCTCTTTAGAGGAG-3'
Protein context (NP_061939.3, residues 740-760): KERRAPSKDR[Met750Ile]IFAATFCAPK